The following is an entry in ClinVar:

NM_203446.3(SYNJ1):c.*256C>T

Gene: SYNJ1 (synaptojanin 1; minus strand). Cytogenetic location: 21q22.11.
Variant type: single nucleotide variant.
Coding change: c.*256C>T on transcript NM_203446.3 (MANE Select); 256 bases downstream of the stop codon, C replaced by T.
Molecular consequence: 3 prime UTR variant. On other transcripts: nonsense (2).
Genome position (GRCh38, 1-based): chr21:32,631,549, G>A on the plus strand (C>T on the coding strand, the complement: SYNJ1 is on the minus strand). VCF-style: chr21-32631549-G-A. GRCh37 (hg19) VCF-style: chr21-34003859-G-A.
Other names: c.*256C>T (NM_001160302.2); c.4027C>T, p.Arg1343Ter (NM_001160306.2); c.4285C>T, p.Arg1429Ter (NM_003895.4); short protein forms R1343*, R1429*.
Identifiers: ClinVar variation 848334 (VCV000848334.7), dbSNP rs565341830, ClinGen allele CA10003146.

ClinVar aggregate classification (germline): Uncertain significance (1 of 4 stars; one submission).

Conditions:
Developmental and epileptic encephalopathy, 53. Also called: Epileptic encephalopathy, early infantile, 53. Identifiers: MedGen C4479313, MONDO:0033362, OMIM 617389.
Early-onset Parkinson disease 20. Also called: PARKINSON DISEASE 20, AUTOSOMAL RECESSIVE EARLY-ONSET. Identifiers: Orphanet 391411, MedGen C3809824, MONDO:0014233, OMIM 615530.

Allele frequency attached by ClinVar (database versions not stated): ExAC 0.00001; gnomAD exomes 0.00001; 1000 Genomes Project 30x 0.00016; 1000 Genomes Project 0.00020.

Submission:

Labcorp Genetics (formerly Invitae), Labcorp
Classification: Uncertain significance for Developmental and epileptic encephalopathy, 53; Early-onset Parkinson disease 20. Last evaluated: 2022-02-17. Review status: criteria provided, single submitter. Criteria: Invitae Variant Classification Sherloc (09022015). Collection method: clinical testing. Allele origin: germline.
Comment: This sequence change creates a premature translational stop signal (p.Arg1429*) in the SYNJ1 gene. While this is not anticipated to result in nonsense mediated decay, it is expected to disrupt the last 184 amino acid(s) of the SYNJ1 protein. The frequency data for this variant in the population databases is considered unreliable, as metrics indicate poor data quality at this position in the gnomAD database. This variant has not been reported in the literature in individuals affected with SYNJ1-related conditions. ClinVar contains an entry for this variant (Variation ID: 848334). Experimental studies and prediction algorithms are not available or were not evaluated, and the functional significance of this variant is currently unknown. In summary, the available evidence is currently insufficient to determine the role of this variant in disease. Therefore, it has been classified as a Variant of Uncertain Significance.